The following is an entry in ClinVar:

ClinVar aggregate classification (germline): Uncertain significance. Review status: criteria provided, multiple submitters, no conflicts (2 of 4 stars). 4 submissions from 4 submitters: Uncertain significance (4). Last evaluated 2025-12-09.

Conditions:
Arrhythmogenic right ventricular dysplasia 8 (ARVD8). Also called: Arrhythmogenic Right Ventricular Dysplasia/Cardiomyopathy 8; ARRHYTHMOGENIC RIGHT VENTRICULAR DYSPLASIA, FAMILIAL, 8; ARRHYTHMOGENIC RIGHT VENTRICULAR CARDIOMYOPATHY 8. Identifiers: MedGen C1843896, MONDO:0011831, OMIM 607450.
Arrhythmogenic cardiomyopathy with wooly hair and keratoderma. Also called: PALMOPLANTAR KERATODERMA WITH LEFT VENTRICULAR CARDIOMYOPATHY AND WOOLLY HAIR; Dilated cardiomyopathy with woolly hair and keratoderma; Carvajal syndrome; Arrhythmogenic cardiomyopathy with woolly hair and keratoderma. Identifiers: Orphanet 65282, MedGen C1854063, MONDO:0011581, OMIM 605676.
Cardiovascular phenotype. Identifiers: MedGen CN230736.

Submissions (4):

Labcorp Genetics (formerly Invitae), Labcorp
Classification: Uncertain significance for Arrhythmogenic cardiomyopathy with wooly hair and keratoderma; Arrhythmogenic right ventricular dysplasia 8. Last evaluated: 2025-12-09. Review status: criteria provided, single submitter. Criteria: Invitae Variant Classification Sherloc (09022015). Collection method: clinical testing. Allele origin: germline.
Comment: This sequence change falls in intron 15 of the DSP gene. It does not directly change the encoded amino acid sequence of the DSP protein. It affects a nucleotide within the consensus splice site. This variant is not present in population databases (gnomAD no frequency). This variant has not been reported in the literature in individuals affected with DSP-related conditions. ClinVar contains an entry for this variant (Variation ID: 3073619). Variants that disrupt the consensus splice site are a relatively common cause of aberrant splicing (PMID: 17576681, 9536098). Algorithms developed to predict the effect of sequence changes on RNA splicing suggest that this variant is not likely to affect RNA splicing. In summary, the available evidence is currently insufficient to determine the role of this variant in disease. Therefore, it has been classified as a Variant of Uncertain Significance.

Dasa
Classification: Uncertain significance. Last evaluated: 2025-10-13. Review status: criteria provided, single submitter. Criteria: DASA Assertion Criteria. Collection method: clinical testing. Allele origin: germline.
Comment: NM_004415.4(DSP):c.2130+5G>A is a splice-region variant. This variant is absent from population databases. Computational prediction algorithms are consistent with a benign effect. The currently available literature and clinical evidence are not sufficient to establish a definitive association between this variant and the reported condition. Therefore, this variant is classified as a variant of uncertain significance.

Ambry Genetics
Classification: Uncertain significance for Cardiovascular phenotype. Last evaluated: 2024-10-10. Review status: criteria provided, single submitter. Criteria: Ambry Variant Classification Scheme 2023. Collection method: clinical testing. Allele origin: germline.
Comment: The c.2130+5G>A intronic variant results from a G to A substitution 5 nucleotides after coding exon 15 in the DSP gene. This nucleotide position is well conserved in available vertebrate species. In silico splice site analysis predicts that this alteration will not have any significant effect on splicing. Based on the available evidence, the clinical significance of this variant remains unclear.

All of Us Research Program, National Institutes of Health
Classification: Uncertain significance for Arrhythmogenic cardiomyopathy with wooly hair and keratoderma. Last evaluated: 2023-10-02. Review status: criteria provided, single submitter. Criteria: ACMG Guidelines, 2015. Collection method: clinical testing. Allele origin: germline. Inheritance: Autosomal dominant inheritance. Observed: 1 variant allele, 1 heterozygote.
Comment: This variant causes a G to A nucleotide substitution at the +5 position of intron 15 of the DSP gene. To our knowledge, functional studies have not been reported for this variant. This variant has not been reported in individuals affected with DSP-related disorders in the literature. This variant has not been identified in the general population by the Genome Aggregation Database (gnomAD). The available evidence is insufficient to determine the role of this variant in disease conclusively. Therefore, this variant is classified as a Variant of Uncertain Significance.

This study involves interpretation of variants in research participants for the purpose of population health screening. Participant phenotype was not available at the time of variant classification. Additional details can be found in publication PMID: 35346344, PMCID: PMC8962531

Literature cited by the submitters: PubMed 17576681 (cited by Labcorp Genetics (formerly Invitae), Labcorp); PubMed 9536098 (cited by Labcorp Genetics (formerly Invitae), Labcorp).

NM_004415.4(DSP):c.2130+5G>A

Gene: DSP (desmoplakin; plus strand). Cytogenetic location: 6p24.3.
Variant type: single nucleotide variant.
Coding change: c.2130+5G>A on transcript NM_004415.4 (MANE Select); 5 bases into the intron after coding-DNA position 2130, G replaced by A.
Molecular consequence: intron variant.
Genome position (GRCh38, 1-based): chr6:7,572,073, G>A. VCF-style: chr6-7572073-G-A. GRCh37 (hg19) VCF-style: chr6-7572306-G-A.
Other names: c.2130+5G>A (NM_004415.2, NM_001319034.2, NM_001008844.3).
Identifiers: ClinVar variation 3073619 (VCV003073619.5), dbSNP rs2533897479, ClinGen allele CA2825001481.
Genomic context (GRCh38, chr6:7,572,073, plus strand): 5'-CTCTAGCAGACCAGGGATCTTCTCACCACATCACAGTGAAAATTAACGAGCTTAAGGTAG[G>A]TATCTGCTAGTATTTTGCCTGGTTACCCTGTATATTTTTATTTACCTGTAAATGAATAAA-3'